The following is an entry in ClinVar:

ClinVar aggregate classification (germline): Uncertain significance (1 of 4 stars; one submission).

Conditions:
TTN-related disorder. Also called: TTN-related disorders; TTN-related condition; TTN-related disease.

Submission:

PreventionGenetics, part of Exact Sciences
Classification: Uncertain significance for TTN-related condition. Last evaluated: 2025-10-14. Review status: criteria provided, single submitter. Criteria: ACMG Guidelines, 2015. Collection method: clinical testing. Allele origin: germline.
Comment: The TTN c.38047G>A variant is predicted to result in the amino acid substitution p.Ala12683Thr. To our knowledge, this variant has not been reported in the literature or in a large population database (gnomAD), indicating this variant is rare. At this time, the clinical significance of this variant is uncertain due to the absence of conclusive functional and genetic evidence.

NM_001267550.2(TTN):c.38047G>A (p.Ala12683Thr)

Gene: TTN (titin; minus strand). Cytogenetic location: 2q31.2.
Variant type: single nucleotide variant.
Coding change: c.38047G>A on transcript NM_001267550.2 (MANE Select); coding-DNA position 38047, G replaced by A.
Protein change: p.Ala12683Thr; replaces alanine 12683 with threonine.
Molecular consequence: missense variant. On other transcripts: intron variant (5).
Genome position (GRCh38, 1-based): chr2:178,654,987, C>T on the plus strand (G>A on the coding strand, the complement: TTN is on the minus strand). VCF-style: chr2-178654987-C-T. GRCh37 (hg19) VCF-style: chr2-179519714-C-T.
Other names: c.13283-12670G>A (NM_003319.4); c.13859-12670G>A (NM_133437.4); c.13658-12670G>A (NM_133432.3); c.31742-2446G>A (NM_133378.4); c.34523-2446G>A (NM_001256850.1); short protein forms A12683T.
Identifiers: ClinVar variation 4982230 (VCV004982230.1).